The following is an entry in ClinVar:

ClinVar aggregate classification (germline): Likely pathogenic (1 of 4 stars; one submission).

Conditions:
Autosomal recessive limb-girdle muscular dystrophy type 2J (LGMDR10). Also called: Limb-girdle muscular dystrophy, type 2J; MUSCULAR DYSTROPHY, LIMB-GIRDLE, AUTOSOMAL RECESSIVE 10. Identifiers: Orphanet 140922, MedGen C1837342, MONDO:0012127, OMIM 608807.
Dilated cardiomyopathy 1G (CMD1G). Identifiers: Orphanet 154, MedGen C1858763, MONDO:0011400, OMIM 604145.

Submission:

Labcorp Genetics (formerly Invitae), Labcorp
Classification: Likely pathogenic for Dilated cardiomyopathy 1G; Autosomal recessive limb-girdle muscular dystrophy type 2J. Last evaluated: 2024-11-04. Review status: criteria provided, single submitter. Criteria: Invitae Variant Classification Sherloc (09022015). Collection method: clinical testing. Allele origin: germline.
Comment: This sequence change creates a premature translational stop signal (p.Glu2833*) in the TTN gene. While this is not anticipated to result in nonsense mediated decay, it is expected to create a truncated TTN protein. This variant is not present in population databases (gnomAD no frequency). This variant has not been reported in the literature in individuals affected with TTN-related conditions. ClinVar contains an entry for this variant (Variation ID: 467565). Algorithms developed to predict the effect of sequence changes on RNA splicing suggest that this variant may disrupt the consensus splice site. This variant is located in the I band of TTN (PMID: 25589632). Truncating variants in this region have been reported in individuals affected with autosomal recessive centronuclear myopathy (PMID: 23975875, internal data). Truncating variants in this region have also been identified in individuals affected with autosomal dominant dilated cardiomyopathy and/or cardio-related conditions (PMID: 27869827, 32964742, internal data). In summary, the currently available evidence indicates that the variant is pathogenic, but additional data are needed to prove that conclusively. Therefore, this variant has been classified as Likely Pathogenic.

Literature cited by the submitters: PubMed 25589632; PubMed 23975875; PubMed 27869827; PubMed 32964742.

NM_001267550.2(TTN):c.8497G>T (p.Glu2833Ter)

Gene: TTN (titin; minus strand). Cytogenetic location: 2q31.2.
Variant type: single nucleotide variant.
Coding change: c.8497G>T on transcript NM_001267550.2 (MANE Select); coding-DNA position 8497, G replaced by T.
Protein change: p.Glu2833Ter; replaces glutamic acid 2833 with a stop codon.
Molecular consequence: nonsense.
Genome position (GRCh38, 1-based): chr2:178,770,204, C>A on the plus strand (G>T on the coding strand, the complement: TTN is on the minus strand). VCF-style: chr2-178770204-C-A. GRCh37 (hg19) VCF-style: chr2-179634931-C-A.
Other names: c.8359G>T, p.Glu2787Ter (NM_003319.4, NM_133432.3, NM_133437.4); c.8497G>T, p.Glu2833Ter (NM_133378.4, NM_133379.5, NM_001256850.1); short protein forms E2833*, E2787*.
Identifiers: ClinVar variation 467565 (VCV000467565.9), dbSNP rs1553994874, ClinGen allele CA349677253.
Genomic context (GRCh38, chr2:178,770,204, plus strand): 5'-GCATCAGCTTGTGGACTTTCCTTTCTGAGACCAGTCTGTGTTTGTCACTTGGCTTAATTT[C>A]CACACTCTTATGGAACCATTTTACTGGAACAGTGTCATGGGAAACACTAACTTCAAAGGC-3'